The following is an entry in ClinVar:

ClinVar aggregate classification (germline): Uncertain significance (1 of 4 stars; one submission).

Conditions:
Hyperphosphatasia with intellectual disability syndrome 5 (GPIBD11). Also called: GLYCOSYLPHOSPHATIDYLINOSITOL BIOSYNTHESIS DEFECT 11. Identifiers: Orphanet 247262, MedGen C4014958, MONDO:0014457, OMIM 616025.

Submission:

Labcorp Genetics (formerly Invitae), Labcorp
Classification: Uncertain significance for Hyperphosphatasia with intellectual disability syndrome 5. Last evaluated: 2020-10-21. Review status: criteria provided, single submitter. Criteria: Invitae Variant Classification Sherloc (09022015). Collection method: clinical testing. Allele origin: germline.
Comment: A gross duplication of the genomic region encompassing the full coding sequence of the PIGW gene has been identified. The boundaries of this event are unknown as the duplication extends beyond the assayed region for this gene and therefore may encompass additional genes. As the precise location of this duplication is unknown, it may be in tandem or it may be located elsewhere in the genome. This variant has not been reported in the literature in individuals with PIGW-related disease. In summary, the available evidence is currently insufficient to determine the role of this variant in disease. Therefore, it has been classified as a Variant of Uncertain Significance.

NC_000017.10:g.(?_34892951)_(34894465_?)dup

Gene: PIGW (phosphatidylinositol glycan anchor biosynthesis class W; plus strand). Cytogenetic location: 17q12.
Variant type: Duplication.
Identifiers: ClinVar variation 1020705 (VCV001020705.1).